The following is an entry in ClinVar:

NM_016169.4(SUFU):c.366T>G (p.Phe122Leu)

Gene: SUFU (SUFU negative regulator of hedgehog signaling; plus strand). Cytogenetic location: 10q24.32.
Variant type: single nucleotide variant.
Coding change: c.366T>G on transcript NM_016169.4 (MANE Select); coding-DNA position 366, T replaced by G.
Protein change: p.Phe122Leu; replaces phenylalanine 122 with leucine.
Molecular consequence: missense variant.
Genome position (GRCh38, 1-based): chr10:102,550,018, T>G. VCF-style: chr10-102550018-T-G. GRCh37 (hg19) VCF-style: chr10-104309775-T-G.
Other names: c.366T>G, p.Phe122Leu (NM_001178133.2); short protein forms F122L.
Identifiers: ClinVar variation 575105 (VCV000575105.14), dbSNP rs1216193400, ClinGen allele CA377903239.

ClinVar aggregate classification (germline): Uncertain significance. Review status: criteria provided, multiple submitters, no conflicts (2 of 4 stars). 2 submissions from 2 submitters: Uncertain significance (2). Last evaluated 2024-11-22.

Conditions:
Gorlin syndrome. Also called: Basal cell nevus syndrome; Nevoid Basal Cell Carcinoma Syndrome. Identifiers: Orphanet 377, MedGen C0004779, MONDO:0007187.
Medulloblastoma (MDB). Also called: MEDULLOBLASTOMA PREDISPOSITION SYNDROME; Medulloblastoma, somatic. Identifiers: Orphanet 616, MedGen C0025149, MeSH D008527, MONDO:0007959, OMIM 155255, HP:0002885.
Hereditary cancer-predisposing syndrome. Also called: Hereditary neoplastic syndrome; Tumor predisposition; Hereditary Cancer Syndrome; Neoplastic Syndromes, Hereditary. Identifiers: Orphanet 140162, MedGen C0027672, MeSH D009386, MONDO:0015356.

Allele frequency attached by ClinVar (database versions not stated): gnomAD exomes below 0.00001.
gnomAD v4.1: 2 of 1,614,072 alleles (0.00012%); highest among the groups gnomAD compares: Non-Finnish European, 0.00017%; no homozygotes.

Submissions (2):

Ambry Genetics
Classification: Uncertain significance for Hereditary cancer-predisposing syndrome. Last evaluated: 2024-11-22. Review status: criteria provided, single submitter. Criteria: Ambry Variant Classification Scheme 2023. Collection method: clinical testing. Allele origin: germline.
Comment: The p.F122L variant (also known as c.366T>G), located in coding exon 3 of the SUFU gene, results from a T to G substitution at nucleotide position 366. The phenylalanine at codon 122 is replaced by leucine, an amino acid with highly similar properties. This amino acid position is conserved. In addition, this alteration is predicted to be deleterious by in silico analysis. Since supporting evidence is limited at this time, the clinical significance of this alteration remains unclear.

Labcorp Genetics (formerly Invitae), Labcorp
Classification: Uncertain significance for Gorlin syndrome; Medulloblastoma. Last evaluated: 2024-01-27. Review status: criteria provided, single submitter. Criteria: Invitae Variant Classification Sherloc (09022015). Collection method: clinical testing. Allele origin: germline.
Comment: This sequence change replaces phenylalanine, which is neutral and non-polar, with leucine, which is neutral and non-polar, at codon 122 of the SUFU protein (p.Phe122Leu). This variant is not present in population databases (gnomAD no frequency). This variant has not been reported in the literature in individuals affected with SUFU-related conditions. ClinVar contains an entry for this variant (Variation ID: 575105). Advanced modeling of protein sequence and biophysical properties (such as structural, functional, and spatial information, amino acid conservation, physicochemical variation, residue mobility, and thermodynamic stability) performed at Invitae indicates that this missense variant is not expected to disrupt SUFU protein function with a negative predictive value of 80%. In summary, the available evidence is currently insufficient to determine the role of this variant in disease. Therefore, it has been classified as a Variant of Uncertain Significance.